The following is an entry in ClinVar:

NM_020461.4(TUBGCP6):c.2944C>T (p.Leu982=)

Gene: TUBGCP6 (tubulin gamma complex component 6; minus strand). Cytogenetic location: 22q13.33.
Variant type: single nucleotide variant.
Coding change: c.2944C>T on transcript NM_020461.4 (MANE Select); coding-DNA position 2944, C replaced by T.
Protein change: p.Leu982=; no amino-acid change (leucine 982 retained).
Molecular consequence: synonymous variant.
Genome position (GRCh38, 1-based): chr22:50,221,415, G>A on the plus strand (C>T on the coding strand, the complement: TUBGCP6 is on the minus strand). VCF-style: chr22-50221415-G-A. GRCh37 (hg19) VCF-style: chr22-50659844-G-A.
Identifiers: ClinVar variation 1530806 (VCV001530806.12), dbSNP rs768760174, ClinGen allele CA10308084.

ClinVar aggregate classification (germline): Likely benign. Review status: criteria provided, multiple submitters, no conflicts (2 of 4 stars). 2 submissions from 2 submitters: Likely benign (2). Last evaluated 2026-01-01.

Allele frequency attached by ClinVar (database versions not stated): gnomAD 0.00001; TOPMed 0.00001.
gnomAD v4.1: 13 of 1,602,372 alleles (0.00081%); highest among the groups gnomAD compares: Non-Finnish European, 0.0011%; no homozygotes.

Submissions (2):

CeGaT Center for Human Genetics Tuebingen
Classification: Likely benign. Last evaluated: 2026-01-01. Review status: criteria provided, single submitter. Criteria: CeGaT Center For Human Genetics Tuebingen Variant Classification Criteria Version 2. Collection method: clinical testing. Allele origin: germline. Affected: yes. Observed: 2 variant alleles.
Comment: TUBGCP6: BP4, BP7

Labcorp Genetics (formerly Invitae), Labcorp
Classification: Likely benign. Last evaluated: 2025-06-02. Review status: criteria provided, single submitter. Criteria: Invitae Variant Classification Sherloc (09022015). Collection method: clinical testing. Allele origin: germline.